The following is an entry in ClinVar:

ClinVar aggregate classification (germline): Likely benign (1 of 4 stars; one submission).

gnomAD v4.1: 253 of 1,595,922 alleles (0.016%); highest among the groups gnomAD compares: South Asian, 0.25%; 1 homozygote.

Submission:

CeGaT Center for Human Genetics Tuebingen
Classification: Likely benign. Last evaluated: 2025-11-01. Review status: criteria provided, single submitter. Criteria: CeGaT Center For Human Genetics Tuebingen Variant Classification Criteria Version 2. Collection method: clinical testing. Allele origin: germline. Affected: yes. Observed: 2 variant alleles.
Comment: PRR12: BS1

NM_020719.3(PRR12):c.3991G>A (p.Ala1331Thr)

Gene: PRR12 (proline rich 12; plus strand). Cytogenetic location: 19q13.33.
Variant type: single nucleotide variant.
Coding change: c.3991G>A on transcript NM_020719.3 (MANE Select); coding-DNA position 3991, G replaced by A.
Protein change: p.Ala1331Thr; replaces alanine 1331 with threonine.
Molecular consequence: missense variant.
Genome position (GRCh38, 1-based): chr19:49,599,584, G>A. VCF-style: chr19-49599584-G-A. GRCh37 (hg19) VCF-style: chr19-50102841-G-A.
Other names: short protein forms A1331T.
Identifiers: ClinVar variation 3778098 (VCV003778098.7).